The following is an entry in ClinVar:

NM_000520.6(HEXA):c.397del (p.Trp133fs)

Gene: HEXA (hexosaminidase subunit alpha; minus strand). Cytogenetic location: 15q23.
Variant type: Deletion.
Coding change: c.397del on transcript NM_000520.6 (MANE Select); coding-DNA position 397, one base deleted (T; older notation c.397delT).
Protein change: p.Trp133fs; shifts the reading frame from tryptophan 133.
Molecular consequence: frameshift variant. On other transcripts: non-coding transcript variant (1).
Genome position (GRCh38, 1-based): chr15:72,355,574, A deleted on the plus strand (T on the coding strand, the reverse complement: HEXA is on the minus strand). VCF-style (leftmost placement, unchanged base first): chr15-72355573-CA-C. GRCh37 (hg19) VCF-style: chr15-72647914-CA-C.
Other names: c.430del, p.Trp144fs (NM_001318825.2); short protein forms W133fs, W144fs.
Identifiers: ClinVar variation 945746 (VCV000945746.7), dbSNP rs2088765656, ClinGen allele CA1139664066.

ClinVar aggregate classification (germline): Pathogenic (1 of 4 stars; one submission).

Conditions:
Tay-Sachs disease (TSD). Also called: HEXA DEFICIENCY; GM2 gangliosidosis, type 1; Hexosaminidase alpha-subunit deficiency (variant B); Sphingolipidosis, Tay-Sachs; HEXA Disorders; Hexosaminidase A Deficiency. Identifiers: Orphanet 845, MedGen C0039373, MONDO:0010100, OMIM 272800.

Submission:

Labcorp Genetics (formerly Invitae), Labcorp
Classification: Pathogenic for Tay-Sachs disease. Last evaluated: 2019-06-13. Review status: criteria provided, single submitter. Criteria: Invitae Variant Classification Sherloc (09022015). Collection method: clinical testing. Allele origin: germline.
Comment: This sequence change creates a premature translational stop signal (p.Trp133Glyfs*66) in the HEXA gene. It is expected to result in an absent or disrupted protein product. This variant is not present in population databases (ExAC no frequency). This variant has not been reported in the literature in individuals with HEXA-related conditions. Loss-of-function variants in HEXA are known to be pathogenic (PMID: 1833974, 8490625). For these reasons, this variant has been classified as Pathogenic.

Literature cited by the submitters: PubMed 1833974; PubMed 8490625.